The following is an entry in ClinVar:

NM_000230.3(LEP):c.22G>A (p.Gly8Arg)

Gene: LEP (leptin; plus strand). Cytogenetic location: 7q32.1.
Variant type: single nucleotide variant.
Coding change: c.22G>A on transcript NM_000230.3 (MANE Select); coding-DNA position 22, G replaced by A.
Protein change: p.Gly8Arg; replaces glycine 8 with arginine.
Molecular consequence: missense variant.
Genome position (GRCh38, 1-based): chr7:128,252,040, G>A. VCF-style: chr7-128252040-G-A. GRCh37 (hg19) VCF-style: chr7-127892093-G-A.
Other names: short protein forms G8R.
Identifiers: ClinVar variation 2635971 (VCV002635971.2), dbSNP rs200092598, ClinGen allele CA4469618.

ClinVar aggregate classification (germline): Uncertain significance (1 of 4 stars; one submission).

Conditions:
LEP-related disorder. Also called: LEP-related condition.

Allele frequency attached by ClinVar (database versions not stated): gnomAD 0.00001; ExAC 0.00002; gnomAD exomes 0.00002; TOPMed 0.00002.
gnomAD v4.1: 36 of 1,614,048 alleles (0.0022%); highest among the groups gnomAD compares: Admixed American, 0.0033%; no homozygotes.

Submission:

PreventionGenetics, part of Exact Sciences
Classification: Uncertain significance for LEP-related condition. Last evaluated: 2025-08-06. Review status: criteria provided, single submitter. Criteria: ACMG Guidelines, 2015. Collection method: clinical testing. Allele origin: germline.
Comment: The LEP c.22G>A variant is predicted to result in the amino acid substitution p.Gly8Arg. To our knowledge, this variant has not been reported in the literature. This variant is reported in 0.0062% of alleles in individuals of African descent in gnomAD. At this time, the clinical significance of this variant is uncertain due to the absence of conclusive functional and genetic evidence.